The following is an entry in ClinVar:

NM_001267727.2(ARSG):c.218+2T>C

Gene: ARSG (arylsulfatase G; plus strand). Cytogenetic location: 17q24.2.
Variant type: single nucleotide variant.
Coding change: c.218+2T>C on transcript NM_001267727.2 (MANE Select); the canonical splice donor site of the intron after coding-DNA position 218, T replaced by C.
Molecular consequence: splice donor variant.
Genome position (GRCh38, 1-based): chr17:68,307,713, T>C. VCF-style: chr17-68307713-T-C. GRCh37 (hg19) VCF-style: chr17-66303854-T-C.
Other names: c.218+2T>C (NM_001352904.2, NM_014960.5, NM_001352903.2 and 9 more transcripts).
Identifiers: ClinVar variation 1422347 (VCV001422347.8), dbSNP rs1555764960, ClinGen allele CA400746525.
Genomic context (GRCh38, chr17:68,307,713, plus strand): 5'-AACTGGGCAGAAACAAAGGACACTGCCAACCTTGATAAGATGGCTTCGGAGGGAATGAGG[T>C]GAGTCTTGAGATGCCAGGCCAGCCTTTCTTTGGATGTCTTACTCCCGTTCTTGAGAGGGG-3'

ClinVar aggregate classification (germline): Likely pathogenic (1 of 4 stars; one submission).

gnomAD v4.1: 2 of 1,506,070 alleles (0.00013%); highest among the groups gnomAD compares: Non-Finnish European, 0.00018%; no homozygotes.

Submission:

Labcorp Genetics (formerly Invitae), Labcorp
Classification: Likely pathogenic. Last evaluated: 2023-07-21. Review status: criteria provided, single submitter. Criteria: Invitae Variant Classification Sherloc (09022015). Collection method: clinical testing. Allele origin: germline.
Comment: ClinVar contains an entry for this variant (Variation ID: 1422347). This variant has not been reported in the literature in individuals affected with ARSG-related conditions. This variant is not present in population databases (gnomAD no frequency). This sequence change affects a donor splice site in intron 2 of the ARSG gene. It is expected to disrupt RNA splicing. Variants that disrupt the donor or acceptor splice site typically lead to a loss of protein function (PMID: 16199547), and loss-of-function variants in ARSG are known to be pathogenic (PMID: 26975023, 34223797). In summary, the currently available evidence indicates that the variant is pathogenic, but additional data are needed to prove that conclusively. Therefore, this variant has been classified as Likely Pathogenic. Algorithms developed to predict the effect of sequence changes on RNA splicing suggest that this variant may disrupt the consensus splice site.

Literature cited by the submitters: PubMed 16199547; PubMed 26975023; PubMed 34223797.